The following is an entry in ClinVar:

ClinVar aggregate classification (germline): Uncertain significance (1 of 4 stars; one submission).

Conditions:
Ornithine carbamoyltransferase deficiency (OTCD). Also called: OTC DEFICIENCY; ORNITHINE TRANSCARBAMYLASE DEFICIENCY; ORNITHINE TRANSCARBAMYLASE DEFICIENCY, HYPERAMMONEMIA DUE TO; Ornithine Carbamoyltransferase Deficiency Disease. Identifiers: Orphanet 664, MedGen C0268542, MONDO:0010703, OMIM 311250.

Submission:

Juno Genomics, Hangzhou Juno Genomics, Inc
Classification: Uncertain significance for Ornithine carbamoyltransferase deficiency. Review status: criteria provided, single submitter. Criteria: ACMG Guidelines, 2015. Collection method: clinical testing. Allele origin: germline.
Comment: Absent from controls (or at extremely low frequency if recessive) in Genome Aggregation Database.;Multiple lines of computational evidence support a deleterious effect on the gene or gene product.

NM_000531.6(OTC):c.164A>G (p.Tyr55Cys)

Gene: OTC (ornithine transcarbamylase; plus strand). Cytogenetic location: Xp11.4.
Variant type: single nucleotide variant.
Coding change: c.164A>G on transcript NM_000531.6 (MANE Select); coding-DNA position 164, A replaced by G.
Protein change: p.Tyr55Cys; replaces tyrosine 55 with cysteine.
Molecular consequence: missense variant.
Genome position (GRCh38, 1-based): chrX:38,367,377, A>G. VCF-style: chrX-38367377-A-G. GRCh37 (hg19) VCF-style: chrX-38226630-A-G.
Other names: c.164A>G, p.Tyr55Cys (NM_001407092.1); short protein forms Y55C.
Identifiers: ClinVar variation 5020010 (VCV005020010.2).